The following is an entry in ClinVar:

ClinVar aggregate classification (germline): Uncertain significance (1 of 4 stars; one submission).

Conditions:
Pheochromocytoma. Also called: MAX-Related Hereditary Paraganglioma-Pheochromocytoma Syndrome. Identifiers: Orphanet 29072, MedGen C0031511, MONDO:0008233, OMIM 171300, HP:0002666.
Pheochromocytoma/paraganglioma syndrome 4. Also called: CAROTID BODY TUMORS AND MULTIPLE EXTRAADRENAL PHEOCHROMOCYTOMAS; PARAGANGLIOMA, FAMILIAL MALIGNANT; PARAGANGLIOMAS, HEREDITARY EXTRAADRENAL; PHEOCHROMOCYTOMA, FAMILIAL EXTRAADRENAL; Paragangliomas 4; SDHB-Related Hereditary Paraganglioma-Pheochromocytoma Syndrome (Paragangliomas 4). Identifiers: Orphanet 29072, MedGen C1861848, MONDO:0007273, OMIM 115310.
Gastrointestinal stromal tumor. Also called: Gastrointestinal stromal tumor, somatic; Gastrointestinal stroma tumor. Identifiers: Orphanet 44890, MedGen C0238198, MeSH D046152, MONDO:0011719, OMIM 606764, HP:0100723.

gnomAD v4.1: 2 of 1,613,292 alleles (0.00012%); highest among the groups gnomAD compares: Non-Finnish European, 0.00017%; no homozygotes.

Submission:

Labcorp Genetics (formerly Invitae), Labcorp
Classification: Uncertain significance for Gastrointestinal stromal tumor; Pheochromocytoma/paraganglioma syndrome 4; Pheochromocytoma. Last evaluated: 2024-07-11. Review status: criteria provided, single submitter. Criteria: Invitae Variant Classification Sherloc (09022015). Collection method: clinical testing. Allele origin: germline.
Comment: This sequence change replaces alanine, which is neutral and non-polar, with valine, which is neutral and non-polar, at codon 25 of the SDHB protein (p.Ala25Val). This variant is not present in population databases (gnomAD no frequency). This variant has not been reported in the literature in individuals affected with SDHB-related conditions. An algorithm developed to predict the effect of missense changes on protein structure and function outputs the following: PolyPhen-2: "Benign". The valine amino acid residue is found in multiple mammalian species, which suggests that this missense change does not adversely affect protein function. In summary, the available evidence is currently insufficient to determine the role of this variant in disease. Therefore, it has been classified as a Variant of Uncertain Significance.

NM_003000.3(SDHB):c.74C>T (p.Ala25Val)

Gene: SDHB (succinate dehydrogenase complex iron sulfur subunit B; minus strand). Cytogenetic location: 1p36.13.
Variant type: single nucleotide variant.
Coding change: c.74C>T on transcript NM_003000.3 (MANE Select); coding-DNA position 74, C replaced by T.
Protein change: p.Ala25Val; replaces alanine 25 with valine.
Molecular consequence: missense variant.
Genome position (GRCh38, 1-based): chr1:17,044,887, G>A on the plus strand (C>T on the coding strand, the complement: SDHB is on the minus strand). VCF-style: chr1-17044887-G-A. GRCh37 (hg19) VCF-style: chr1-17371382-G-A.
Other names: c.74C>T, p.Ala25Val (NM_001407361.1); short protein forms A25V.
Identifiers: ClinVar variation 3757213 (VCV003757213.2).